The following is an entry in ClinVar:

NM_203475.3(PORCN):c.1076_1077dup (p.Val360fs)

Gene: PORCN (porcupine O-acyltransferase; plus strand). Cytogenetic location: Xp11.23.
Variant type: Duplication.
Coding change: c.1076_1077dup on transcript NM_203475.3 (MANE Select); coding-DNA positions 1076 to 1077, 2 bases duplicated (AC; older notation c.1076_1077dupAC).
Protein change: p.Val360fs; shifts the reading frame from valine 360.
Molecular consequence: frameshift variant.
Genome position (GRCh38, 1-based): chrX:48,515,942-48,515,943, AC duplicated. VCF-style (leftmost placement, unchanged base first): chrX-48515941-T-TAC. GRCh37 (hg19) VCF-style: chrX-48374329-T-TAC.
Other names: c.830_831dup, p.Val278fs (NM_001282167.2); c.1043_1044dup, p.Val349fs (NM_022825.4); c.1061_1062dup, p.Val355fs (NM_203473.3); c.1058_1059dup, p.Val354fs (NM_203474.1); short protein forms V278fs, V349fs, V354fs, V355fs, V360fs.
Identifiers: ClinVar variation 3052914 (VCV003052914.2), dbSNP rs2519481658, ClinGen allele CA2740092123.
Genomic context (GRCh38, chrX:48,515,941, plus strand): 5'-TTCCCCCAGGGCTTCAGTTTCCACCTGGCTGCGGTCCTGCTGTCCCTGGCTTTTATCACT[T>TAC]ACGTGGAGCATGGTGAGTGCAGGGCCCAGCCCAGCCGTTGGATAGAAGGTTGGTGGGGGG-3'

ClinVar aggregate classification (germline): Pathogenic (0 of 4 stars; one submission).

Conditions:
PORCN-related disorder. Also called: PORCN-related condition.

Submission:

PreventionGenetics, part of Exact Sciences
Classification: Pathogenic for PORCN-related condition. Last evaluated: 2024-02-11. Review status: no assertion criteria provided. Collection method: clinical testing. Allele origin: germline.
Comment: The PORCN c.1076_1077dupAC variant is predicted to result in a frameshift and premature protein termination (p.Val360Thrfs*40). To our knowledge, this variant has not been reported in the literature or in a large population database, indicating this variant is rare. A different duplication variant impacting the same base (c.1076dupA) and resulting in a similar frameshift and premature protein termination (p.Y359fs) has been reported in at least two individuals with focal dermal hypoplasia (Fernandes et al. 2010. PubMed ID: 20854095; Bostwick et al. 2016. PubMed ID: 26853229). Frameshift variants in PORCN are expected to be pathogenic. This variant is interpreted as pathogenic.